The following is an entry in ClinVar:

ClinVar aggregate classification (germline): Uncertain significance (1 of 4 stars; one submission).

Conditions:
Lowe syndrome (OCRL). Also called: LOWE OCULOCEREBRORENAL SYNDROME; PHOSPHATIDYLINOSITOL 4,5-BISPHOSPHATE 5-PHOSPHATASE DEFICIENCY; Oculocerebrorenal Syndrome. Identifiers: Orphanet 534, MedGen C0028860, MONDO:0010645, OMIM 309000.

gnomAD v4.1: 2 of 1,206,865 alleles (0.00017%); highest among the groups gnomAD compares: African/African-American, 0.0035%; no homozygotes.

Submission:

Labcorp Genetics (formerly Invitae), Labcorp
Classification: Uncertain significance for Lowe syndrome. Last evaluated: 2024-03-13. Review status: criteria provided, single submitter. Criteria: Invitae Variant Classification Sherloc (09022015). Collection method: clinical testing. Allele origin: germline.
Comment: This sequence change replaces methionine, which is neutral and non-polar, with isoleucine, which is neutral and non-polar, at codon 557 of the OCRL protein (p.Met557Ile). This variant is not present in population databases (gnomAD no frequency). This variant has not been reported in the literature in individuals affected with OCRL-related conditions. Advanced modeling of protein sequence and biophysical properties (such as structural, functional, and spatial information, amino acid conservation, physicochemical variation, residue mobility, and thermodynamic stability) has been performed at Invitae for this missense variant, however the output from this modeling did not meet the statistical confidence thresholds required to predict the impact of this variant on OCRL protein function. In summary, the available evidence is currently insufficient to determine the role of this variant in disease. Therefore, it has been classified as a Variant of Uncertain Significance.

NM_000276.4(OCRL):c.1671G>A (p.Met557Ile)

Gene: OCRL (OCRL inositol polyphosphate-5-phosphatase; plus strand). Cytogenetic location: Xq26.1.
Variant type: single nucleotide variant.
Coding change: c.1671G>A on transcript NM_000276.4 (MANE Select); coding-DNA position 1671, G replaced by A.
Protein change: p.Met557Ile; replaces methionine 557 with isoleucine.
Molecular consequence: missense variant.
Genome position (GRCh38, 1-based): chrX:129,575,208, G>A. VCF-style: chrX-129575208-G-A. GRCh37 (hg19) VCF-style: chrX-128709185-G-A.
Other names: c.1674G>A, p.Met558Ile (NM_001318784.2); c.1671G>A, p.Met557Ile (NM_001587.4); short protein forms M557I, M558I.
Identifiers: ClinVar variation 3616721 (VCV003616721.1).